The following is an entry in ClinVar:

NM_020778.5(ALPK3):c.2414C>T (p.Pro805Leu)

Gene: ALPK3 (alpha kinase 3; plus strand). Cytogenetic location: 15q25.3.
Variant type: single nucleotide variant.
Coding change: c.2414C>T on transcript NM_020778.5 (MANE Select); coding-DNA position 2414, C replaced by T.
Protein change: p.Pro805Leu; replaces proline 805 with leucine.
Molecular consequence: missense variant.
Genome position (GRCh38, 1-based): chr15:84,857,152, C>T. VCF-style: chr15-84857152-C-T. GRCh37 (hg19) VCF-style: chr15-85400383-C-T.
Other names: short protein forms P805L.
Identifiers: ClinVar variation 1798914 (VCV001798914.10), dbSNP rs751180190, ClinGen allele CA7709407.

ClinVar aggregate classification (germline): Uncertain significance. Review status: criteria provided, multiple submitters, no conflicts (2 of 4 stars). 4 submissions from 4 submitters: Uncertain significance (4). Last evaluated 2026-08-01.

Conditions:
ALPK3-related disorder. Also called: ALPK3-related condition.
Cardiovascular phenotype. Identifiers: MedGen CN230736.

Allele frequency attached by ClinVar (database versions not stated): ExAC 0.00001; gnomAD exomes 0.00001; TOPMed 0.00002; gnomAD 0.00003.
gnomAD v4.1: 15 of 1,614,138 alleles (0.00093%); highest among the groups gnomAD compares: African/African-American, 0.011%; no homozygotes.

Submissions (4):

GeneDx
Classification: Uncertain significance. Last evaluated: 2026-08-01. Review status: criteria provided, single submitter. Criteria: GeneDx Variant Classification Process June 2021. Collection method: clinical testing. Allele origin: germline.
Comment: Not observed at significant frequency in large population cohorts (gnomAD); In silico analysis suggests that this missense variant does not alter protein structure/function; Has not been previously published as pathogenic or benign to our knowledge

PreventionGenetics, part of Exact Sciences
Classification: Uncertain significance for ALPK3-related condition. Last evaluated: 2026-03-31. Review status: criteria provided, single submitter. Criteria: ACMG Guidelines, 2015. Collection method: clinical testing. Allele origin: germline.
Comment: The ALPK3 c.3020C>T variant is predicted to result in the amino acid substitution p.Pro1007Leu. To our knowledge, this variant has not been reported in the literature. This variant is reported in 0.0080% of alleles in individuals of African descent in gnomAD. At this time, the clinical significance of this variant is uncertain due to the absence of conclusive functional and genetic evidence.

Labcorp Genetics (formerly Invitae), Labcorp
Classification: Uncertain significance. Last evaluated: 2025-10-28. Review status: criteria provided, single submitter. Criteria: Invitae Variant Classification Sherloc (09022015). Collection method: clinical testing. Allele origin: germline.
Comment: This sequence change replaces proline, which is neutral and non-polar, with leucine, which is neutral and non-polar, at codon 1007 of the ALPK3 protein (p.Pro1007Leu). This variant is present in population databases (rs751180190, gnomAD 0.008%). This variant has not been reported in the literature in individuals affected with ALPK3-related conditions. ClinVar contains an entry for this variant (Variation ID: 1798914). Invitae Evidence Modeling of protein sequence and biophysical properties (such as structural, functional, and spatial information, amino acid conservation, physicochemical variation, residue mobility, and thermodynamic stability) indicates that this missense variant is not expected to disrupt ALPK3 protein function with a negative predictive value of 80%. In summary, the available evidence is currently insufficient to determine the role of this variant in disease. Therefore, it has been classified as a Variant of Uncertain Significance.

Ambry Genetics
Classification: Uncertain significance for Cardiovascular phenotype. Last evaluated: 2022-03-24. Review status: criteria provided, single submitter. Criteria: Ambry Variant Classification Scheme 2023. Collection method: clinical testing. Allele origin: germline.
Comment: The p.P1007L variant (also known as c.3020C>T), located in coding exon 6 of the ALPK3 gene, results from a C to T substitution at nucleotide position 3020. The proline at codon 1007 is replaced by leucine, an amino acid with similar properties. This amino acid position is conserved. In addition, this alteration is predicted to be tolerated by in silico analysis. Since supporting evidence is limited at this time, the clinical significance of this alteration remains unclear.